The following is an entry in ClinVar:

ClinVar aggregate classification (germline): Uncertain significance (1 of 4 stars; one submission).

gnomAD v4.1: 6 of 1,613,304 alleles (0.00037%); highest among the groups gnomAD compares: Admixed American, 0.0083%; no homozygotes.

Submission:

GeneDx
Classification: Uncertain significance. Last evaluated: 2024-05-16. Review status: criteria provided, single submitter. Criteria: GeneDx Variant Classification Process June 2021. Collection method: clinical testing. Allele origin: germline. Affected: yes.
Comment: Not observed at significant frequency in large population cohorts (gnomAD); Missense variant in a gene in which most reported pathogenic variants are truncating/loss of function; Has not been previously published as pathogenic or benign to our knowledge

NM_001267550.2(TTN):c.80690T>C (p.Leu26897Pro)

Genes: TTN-AS1 (TTN antisense RNA 1; plus strand), TTN (titin; minus strand). Cytogenetic location: 2q31.2.
Variant type: single nucleotide variant.
Coding change: c.80690T>C on transcript NM_001267550.2 (MANE Select); coding-DNA position 80690, T replaced by C.
Protein change: p.Leu26897Pro; replaces leucine 26897 with proline.
Molecular consequence: missense variant.
Genome position (GRCh38, 1-based): chr2:178,565,442, A>G on the plus strand (T>C on the coding strand, the complement: TTN is on the minus strand). VCF-style: chr2-178565442-A-G. GRCh37 (hg19) VCF-style: chr2-179430169-A-G.
Other names: c.75767T>C, p.Leu25256Pro (NM_001256850.1); c.53495T>C, p.Leu17832Pro (NM_003319.4); c.72986T>C, p.Leu24329Pro (NM_133378.4); c.53870T>C, p.Leu17957Pro (NM_133432.3); c.54071T>C, p.Leu18024Pro (NM_133437.4); short protein forms L17832P, L17957P, L18024P, L24329P, L25256P, L26897P.
Identifiers: ClinVar variation 3378024 (VCV003378024.1).
Genomic context (GRCh38, chr2:178,565,442, plus strand): 5'-CCATCTTTGACCCAAGAAATGTTAGGTCTTGGTCGGCCTATAACTGGAATTTCTATTTTA[A>G]GATCTTCTCCAGCTTGGATACTATATGTGTTAAATGGTAACTTTAAACTAGGCTGTATAG-3'
Protein context (NP_001254479.2, residues 26887-26907): NTYSIQAGED[Leu26897Pro]KIEIPVIGRP